The following is an entry in ClinVar:

NM_020631.6(PLEKHG5):c.1145G>T (p.Arg382Leu)

Gene: PLEKHG5 (pleckstrin homology and RhoGEF domain containing G5; minus strand). Cytogenetic location: 1p36.31.
Variant type: single nucleotide variant.
Coding change: c.1145G>T on transcript NM_020631.6 (MANE Select); coding-DNA position 1145, G replaced by T.
Protein change: p.Arg382Leu; replaces arginine 382 with leucine.
Molecular consequence: missense variant.
Genome position (GRCh38, 1-based): chr1:6,471,624, C>A on the plus strand (G>T on the coding strand, the complement: PLEKHG5 is on the minus strand). VCF-style: chr1-6471624-C-A. GRCh37 (hg19) VCF-style: chr1-6531684-C-A.
Other names: c.1256G>T, p.Arg419Leu (NM_001042663.3, NM_001265592.2); c.1145G>T, p.Arg382Leu (NM_001042664.2, NM_001042665.2, NM_001265594.3 and 1 more transcripts); c.1352G>T, p.Arg451Leu (NM_001265593.2); short protein forms R451L, R382L, R419L.
Identifiers: ClinVar variation 1373884 (VCV001373884.5), dbSNP rs1020039192, ClinGen allele CA338130296.

ClinVar aggregate classification (germline): Uncertain significance (1 of 4 stars; one submission).

Conditions:
Charcot-Marie-Tooth disease recessive intermediate C. Also called: CHARCOT-MARIE-TOOTH NEUROPATHY, RECESSIVE INTERMEDIATE C. Identifiers: Orphanet 369867, MedGen C3809309, MONDO:0014154, OMIM 615376.
Neuronopathy, distal hereditary motor, autosomal recessive 4. Also called: Autosomal recessive lower motor neuron disease with childhood onset; NEUROPATHY, DISTAL HEREDITARY MOTOR, AUTOSOMAL RECESSIVE 4. Identifiers: Orphanet 206580, MedGen C1970211, MONDO:0012608, OMIM 611067.

gnomAD v4.1: 1 of 1,588,862 alleles (0.000063%); highest among the groups gnomAD compares: Non-Finnish European, 0.000086%; no homozygotes.

Submission:

Labcorp Genetics (formerly Invitae), Labcorp
Classification: Uncertain significance for Neuronopathy, distal hereditary motor, autosomal recessive 4; Charcot-Marie-Tooth disease recessive intermediate C. Last evaluated: 2021-08-14. Review status: criteria provided, single submitter. Criteria: Invitae Variant Classification Sherloc (09022015). Collection method: clinical testing. Allele origin: germline.
Comment: This sequence change replaces arginine with leucine at codon 382 of the PLEKHG5 protein (p.Arg382Leu). The arginine residue is moderately conserved and there is a moderate physicochemical difference between arginine and leucine. This variant is not present in population databases (ExAC no frequency). This variant has not been reported in the literature in individuals affected with PLEKHG5-related conditions. Algorithms developed to predict the effect of missense changes on protein structure and function (SIFT, PolyPhen-2, Align-GVGD) all suggest that this variant is likely to be tolerated. In summary, the available evidence is currently insufficient to determine the role of this variant in disease. Therefore, it has been classified as a Variant of Uncertain Significance.